The following is an entry in ClinVar:

NM_012123.4(MTO1):c.634C>T (p.Arg212Cys)

Gene: MTO1 (mitochondrial tRNA translation optimization 1; plus strand). Cytogenetic location: 6q13.
Variant type: single nucleotide variant.
Coding change: c.634C>T on transcript NM_012123.4 (MANE Select); coding-DNA position 634, C replaced by T.
Protein change: p.Arg212Cys; replaces arginine 212 with cysteine.
Molecular consequence: missense variant.
Genome position (GRCh38, 1-based): chr6:73,473,463, C>T. VCF-style: chr6-73473463-C-T. GRCh37 (hg19) VCF-style: chr6-74183186-C-T.
Other names: c.634C>T, p.Arg212Cys (NM_001123226.2, NM_133645.3); c.634C>T (NM_001123226.1); short protein forms R212C.
Identifiers: ClinVar variation 1480846 (VCV001480846.7), dbSNP rs147346536, ClinGen allele CA3889412.
Genomic context (GRCh38, chr6:73,473,463, plus strand): 5'-ACTACTGGGACATTTCTGAGAGGCATGATTGTAATTGGATTGGAGACGCATCCAGCAGGA[C>T]GTTTAGGGGATCAGCCTTCTATAGGATTGGCTCAGACACTGGAGAAGTTAGGGTTTGTGG-3'
Protein context (NP_036255.2, residues 202-222): VIGLETHPAG[Arg212Cys]LGDQPSIGLA

ClinVar aggregate classification (germline): Uncertain significance. Review status: criteria provided, multiple submitters, no conflicts (2 of 4 stars). 4 submissions from 4 submitters: Uncertain significance (4). Last evaluated 2025-12-29.

Conditions:
MTO1 deficiency.
Inborn genetic diseases. Identifiers: MedGen C0950123, MeSH D030342.
Mitochondrial hypertrophic cardiomyopathy with lactic acidosis due to MTO1 deficiency. Also called: CARDIOMYOPATHY, INFANTILE HYPERTROPHIC MITOCHONDRIAL, AND LACTIC ACIDOSIS; Combined oxidative phosphorylation deficiency 10. Identifiers: Orphanet 314637, MedGen C4749921, MONDO:0013865, OMIM 614702.

Allele frequency attached by ClinVar (database versions not stated): gnomAD 0.00002; TOPMed 0.00004; ExAC 0.00005; gnomAD exomes 0.00006; ESP Exome Variant Server 0.00015.
gnomAD v4.1: 101 of 1,613,926 alleles (0.0063%); highest among the groups gnomAD compares: Non-Finnish European, 0.0063%; no homozygotes.

Submissions (4):

Labcorp Genetics (formerly Invitae), Labcorp
Classification: Uncertain significance for Mitochondrial hypertrophic cardiomyopathy with lactic acidosis due to MTO1 deficiency. Last evaluated: 2025-12-29. Review status: criteria provided, single submitter. Criteria: Invitae Variant Classification Sherloc (09022015). Collection method: clinical testing. Allele origin: germline.
Comment: This sequence change replaces arginine, which is basic and polar, with cysteine, which is neutral and slightly polar, at codon 212 of the MTO1 protein (p.Arg212Cys). This variant is present in population databases (rs147346536, gnomAD 0.08%). This variant has not been reported in the literature in individuals affected with MTO1-related conditions. ClinVar contains an entry for this variant (Variation ID: 1480846). Invitae Evidence Modeling of protein sequence and biophysical properties (such as structural, functional, and spatial information, amino acid conservation, physicochemical variation, residue mobility, and thermodynamic stability) has been performed for this missense variant. However, the output from this modeling did not meet the statistical confidence thresholds required to predict the impact of this variant on MTO1 protein function. In summary, the available evidence is currently insufficient to determine the role of this variant in disease. Therefore, it has been classified as a Variant of Uncertain Significance.

Clinical Genomics Laboratory, Stanford Medicine
Classification: Uncertain significance for MTO1 deficiency. Last evaluated: 2022-12-20. Review status: criteria provided, single submitter. Criteria: ACMG Guidelines, 2015. Collection method: clinical testing. Allele origin: germline. Observed: 1 variant allele, 1 heterozygote.
Comment: The p.Arg212Cys variant in the MTO1 gene has not been previously reported in association with disease. This variant has been identified in 7/10,078 Ashkenazi Jewish chromosomes by the Genome Aggregation Database. This variant is present in ClinVar (Accession: VCV001480846.6). Computational tools predict that this variant is deleterious; however, the accuracy of in silico algorithms is limited. These data were assessed using the ACMG/AMP variant interpretation guidelines. In summary, the significance of the p.Arg212Cys variant is uncertain. Additional information is needed to resolve the significance of this variant. [ACMG evidence codes used: BS1; PP3]

Department of Pathology and Laboratory Medicine, Sinai Health System
Classification: Uncertain significance for Mitochondrial hypertrophic cardiomyopathy with lactic acidosis due to MTO1 deficiency. Last evaluated: 2021-07-30. Review status: criteria provided, single submitter. Criteria: ACMG Guidelines, 2015. Collection method: research. Allele origin: germline.

Ambry Genetics
Classification: Uncertain significance for Inborn genetic diseases. Last evaluated: 2021-06-18. Review status: criteria provided, single submitter. Criteria: Ambry Variant Classification Scheme 2023. Collection method: clinical testing. Allele origin: germline.